The following is an entry in ClinVar:

ClinVar aggregate classification (germline): Benign. Review status: criteria provided, multiple submitters, no conflicts (2 of 4 stars). 6 submissions from 6 submitters: Benign (6). Last evaluated 2026-02-04.

Conditions:
Ciliary dyskinesia, primary, 40. Also called: CILIARY DYSKINESIA, PRIMARY, 40, WITH OR WITHOUT SITUS INVERSUS. Identifiers: MedGen C4749028, MONDO:0032664, OMIM 618300.

Allele frequency attached by ClinVar (database versions not stated): 1000 Genomes Project 30x 0.94738; 1000 Genomes Project 0.94788; TOPMed 0.96234; ESP Exome Variant Server 0.96832; ExAC 0.97219; gnomAD exomes 0.98214.
gnomAD v4.1: 1,582,196 of 1,613,704 alleles (98%); highest among the groups gnomAD compares: Non-Finnish European, 99%; 776,019 homozygotes.

Submissions (6):

Labcorp Genetics (formerly Invitae), Labcorp
Classification: Benign. Last evaluated: 2026-02-04. Review status: criteria provided, single submitter. Criteria: Invitae Variant Classification Sherloc (09022015). Collection method: clinical testing. Allele origin: germline.

Blueprint Genetics
Classification: Benign. Last evaluated: 2024-11-28. Review status: criteria provided, single submitter. Criteria: ACMG Guidelines, 2015. Collection method: clinical testing. Allele origin: germline.

Mayo Clinic Laboratories, Mayo Clinic
Classification: Benign. Last evaluated: 2022-04-26. Review status: criteria provided, single submitter. Criteria: ACMG Guidelines, 2015. Collection method: clinical testing. Allele origin: germline. Observed: 206 variant alleles.

Genome-Nilou Lab
Classification: Benign for Ciliary dyskinesia, primary, 40. Last evaluated: 2021-07-30. Review status: criteria provided, single submitter. Criteria: ACMG Guidelines, 2015. Collection method: clinical testing. Allele origin: germline. Affected: no.

Laboratory for Molecular Medicine, Mass General Brigham Personalized Medicine
Classification: Benign. Last evaluated: 2016-03-28. Review status: criteria provided, single submitter. Criteria: LMM Criteria. Collection method: clinical testing. Allele origin: germline.
Comment: Variant identified in a genome or exome case(s) and assessed due to predicted null impact of the variant or pathogenic assertions in the literature or databases. Disclaimer: This variant has not undergone full assessment. The following are preliminary notes: MAF

Breakthrough Genomics
Classification: Benign. Review status: criteria provided, single submitter. Criteria: ACMG Guidelines, 2015. Collection method: not provided. Allele origin: germline. Inheritance: Autosomal recessive inheritance. Affected: yes.

NM_001372.4(DNAH9):c.3369T>C (p.Asp1123=)

Gene: DNAH9 (dynein axonemal heavy chain 9; plus strand). Cytogenetic location: 17p12.
Variant type: single nucleotide variant.
Coding change: c.3369T>C on transcript NM_001372.4 (MANE Select); coding-DNA position 3369, T replaced by C.
Protein change: p.Asp1123=; no amino-acid change (aspartic acid 1123 retained).
Molecular consequence: synonymous variant.
Genome position (GRCh38, 1-based): chr17:11,679,772, T>C. VCF-style: chr17-11679772-T-C. GRCh37 (hg19) VCF-style: chr17-11583089-T-C.
Other names: p.Asp1123=.
Identifiers: ClinVar variation 402776 (VCV000402776.18), dbSNP rs8071438, ClinGen allele CA8395425.